The following is an entry in ClinVar:

ClinVar aggregate classification (germline): Uncertain significance (1 of 4 stars; one submission).

Conditions:
Fabry disease. Also called: ALPHA-GALACTOSIDASE A DEFICIENCY; ANDERSON-FABRY DISEASE; CERAMIDE TRIHEXOSIDASE DEFICIENCY; GLA DEFICIENCY; HEREDITARY DYSTOPIC LIPIDOSIS; Angiokeratoma corporis diffusum. Identifiers: Orphanet 324, MedGen C0002986, MONDO:0010526, OMIM 301500, HP:0001071. Disease mechanism: Fabry disease is due to inactivating mutations in the X-linked GLA gene resulting in deficiency of the enzyme Alpha Galactosidase-A., loss of function.

Submission:

Genomenon, Inc
Classification: Uncertain significance for Fabry disease. Last evaluated: 2026-09-08. Review status: criteria provided, single submitter. Criteria: Genomenon Sequence Variant Interpretation Standards - Updated. Collection method: curation. Allele origin: germline. Affected: yes.
Comment: GLA p.Asn53His (c.157A>C) is a missense variant that changes the amino acid at codon 53 from Asparagine to Histidine. This variant has been observed in at least one proband with clinical features consistent with Fabry disease (PMID:35743707). It is absent or not present at a significant frequency in gnomAD. In conclusion, we classify GLA p.Asn53His (c.157A>C) as a variant of uncertain significance.

Literature cited by the submitters: PubMed 35743707.

NM_000169.3(GLA):c.157A>C (p.Asn53His)

Genes: GLA (galactosidase alpha; minus strand), RPL36A-HNRNPH2 (RPL36A-HNRNPH2 readthrough; plus strand). Cytogenetic location: Xq22.1.
Variant type: single nucleotide variant.
Coding change: c.157A>C on transcript NM_000169.3 (MANE Select); coding-DNA position 157, A replaced by C.
Protein change: p.Asn53His; replaces asparagine 53 with histidine.
Molecular consequence: missense variant. On other transcripts: non-coding transcript variant (3), intron variant (2).
Genome position (GRCh38, 1-based): chrX:101,407,747, T>G on the plus strand (A>C on the coding strand, the complement: GLA is on the minus strand). VCF-style: chrX-101407747-T-G. GRCh37 (hg19) VCF-style: chrX-100662735-T-G.
Other names: c.157A>C, p.Asn53His (NM_001406747.1, NM_001406748.1, NM_001406749.1); c.301-4189T>G (NM_001199973.2); c.178-4189T>G (NM_001199974.2); short protein forms N53H.
Identifiers: ClinVar variation 4087285 (VCV004087285.2).